The following is an entry in ClinVar:

ClinVar aggregate classification (germline): Likely pathogenic (1 of 4 stars; one submission).

Conditions:
Usher syndrome type 1 (USH1). Also called: RETINITIS PIGMENTOSA AND CONGENITAL DEAFNESS. Identifiers: Orphanet 231169, Orphanet 886, MedGen C1568247, MONDO:0010168, OMIM 276900.

Submission:

Natera, Inc.
Classification: Likely pathogenic for Usher syndrome type 1. Last evaluated: 2024-07-24. Review status: criteria provided, single submitter. Criteria: Natera Variant Classification Schema (03/2026). Collection method: clinical testing. Allele origin: germline.
Comment: The c.3183del variant in CDH23 is a frameshift variant predicted to shift the reading frame beginning at codon 1062 and leads to a stop codon 17 codons downstream. This variant is expected to result in nonsense mediated decay, truncation, or a dysfunctional protein product. This variant is rare in the general population with a frequency below the threshold expected for the associated phenotype(s). Given the available evidence, this variant is classified as Likely Pathogenic.

NM_022124.6(CDH23):c.3183del (p.Thr1062fs)

Gene: CDH23 (cadherin related 23; plus strand). Cytogenetic location: 10q22.1.
Variant type: Deletion.
Coding change: c.3183del on transcript NM_022124.6 (MANE Select); coding-DNA position 3183, one base deleted (G; older notation c.3183delG).
Protein change: p.Thr1062fs; shifts the reading frame from threonine 1062.
Molecular consequence: frameshift variant.
Genome position (GRCh38, 1-based): chr10:71,709,174, G deleted. VCF-style (leftmost placement, unchanged base first): chr10-71709173-AG-A. GRCh37 (hg19) VCF-style: chr10-73468930-AG-A.
Other names: c.3183del, p.Thr1062fs (NM_001171930.2); short protein forms T1062fs.
Identifiers: ClinVar variation 4816076 (VCV004816076.1).